The following is an entry in ClinVar:

NM_001037333.3(CYFIP2):c.128A>G (p.Asp43Gly)

Gene: CYFIP2 (cytoplasmic FMR1 interacting protein 2; plus strand). Cytogenetic location: 5q33.3.
Variant type: single nucleotide variant.
Coding change: c.128A>G on transcript NM_001037333.3 (MANE Select); coding-DNA position 128, A replaced by G.
Protein change: p.Asp43Gly; replaces aspartic acid 43 with glycine.
Molecular consequence: missense variant.
Genome position (GRCh38, 1-based): chr5:157,287,029, A>G. VCF-style: chr5-157287029-A-G. GRCh37 (hg19) VCF-style: chr5-156714038-A-G.
Other names: c.128A>G, p.Asp43Gly (NM_001291721.2, NM_001291722.2, NM_014376.4); short protein forms D43G.
Identifiers: ClinVar variation 3653001 (VCV003653001.2).

ClinVar aggregate classification (germline): Uncertain significance (1 of 4 stars; one submission).

gnomAD v4.1: 1 of 1,613,370 alleles (0.000062%); highest among the groups gnomAD compares: Non-Finnish European, 0.000085%; no homozygotes.

Submission:

Labcorp Genetics (formerly Invitae), Labcorp
Classification: Uncertain significance. Last evaluated: 2024-06-04. Review status: criteria provided, single submitter. Criteria: Invitae Variant Classification Sherloc (09022015). Collection method: clinical testing. Allele origin: germline.
Comment: This sequence change replaces aspartic acid, which is acidic and polar, with glycine, which is neutral and non-polar, at codon 43 of the CYFIP2 protein (p.Asp43Gly). This variant is present in population databases (rs756226998, gnomAD 0.002%). This variant has not been reported in the literature in individuals affected with CYFIP2-related conditions. Experimental studies and prediction algorithms are not available or were not evaluated, and the functional significance of this variant is currently unknown. In summary, the available evidence is currently insufficient to determine the role of this variant in disease. Therefore, it has been classified as a Variant of Uncertain Significance.